The following is an entry in ClinVar:

NM_001267550.2(TTN):c.82536del (p.Gly27513fs)

Genes: TTN (titin; minus strand), TTN-AS1 (TTN antisense RNA 1; plus strand). Cytogenetic location: 2q31.2.
Variant type: Deletion.
Coding change: c.82536del on transcript NM_001267550.2 (MANE Select); coding-DNA position 82536, one base deleted (A; older notation c.82536delA).
Protein change: p.Gly27513fs; shifts the reading frame from glycine 27513.
Molecular consequence: frameshift variant.
Genome position (GRCh38, 1-based): chr2:178,563,596, T deleted on the plus strand (A on the coding strand, the reverse complement: TTN is on the minus strand); the first of 2 consecutive T bases (chr2:178,563,596-178,563,597); deleting either gives the same sequence. VCF-style (leftmost placement, unchanged base first): chr2-178563595-CT-C. GRCh37 (hg19) VCF-style: chr2-179428322-CT-C.
Other names: c.77613del, p.Gly25872fs (NM_001256850.1); c.55341del, p.Gly18448fs (NM_003319.4); c.74832del, p.Gly24945fs (NM_133378.4); c.55716del, p.Gly18573fs (NM_133432.3); c.55917del, p.Gly18640fs (NM_133437.4); short protein forms G25872fs, G18573fs, G24945fs, G18640fs, G18448fs, G27513fs.
Identifiers: ClinVar variation 1507909 (VCV001507909.9), dbSNP rs2154161517, ClinGen allele CA2573134110.

ClinVar aggregate classification (germline): Likely pathogenic. Review status: criteria provided, multiple submitters, no conflicts (2 of 4 stars). 2 submissions from 2 submitters: Likely pathogenic (2). Last evaluated 2024-11-11.

Conditions:
TTN-related disorder. Also called: TTN-related disorders; TTN-related condition; TTN-related disease.
Autosomal recessive limb-girdle muscular dystrophy type 2J (LGMDR10). Also called: Limb-girdle muscular dystrophy, type 2J; MUSCULAR DYSTROPHY, LIMB-GIRDLE, AUTOSOMAL RECESSIVE 10. Identifiers: Orphanet 140922, MedGen C1837342, MONDO:0012127, OMIM 608807.
Dilated cardiomyopathy 1G (CMD1G). Identifiers: Orphanet 154, MedGen C1858763, MONDO:0011400, OMIM 604145.

Submissions (2):

Blueprint Genetics
Classification: Likely pathogenic for TTN-related disorders. Last evaluated: 2024-11-11. Review status: criteria provided, single submitter. Criteria: ACMG Guidelines, 2015. Collection method: clinical testing. Allele origin: germline. Affected: yes. Observed: 2 variant alleles.

Labcorp Genetics (formerly Invitae), Labcorp
Classification: Likely pathogenic for Dilated cardiomyopathy 1G; Autosomal recessive limb-girdle muscular dystrophy type 2J. Last evaluated: 2021-06-08. Review status: criteria provided, single submitter. Criteria: Invitae Variant Classification Sherloc (09022015). Collection method: clinical testing. Allele origin: germline.
Comment: This sequence change creates a premature translational stop signal (p.Gly27513Alafs*12) in the TTN gene. While this is not anticipated to result in nonsense mediated decay, it is expected to create a truncated TTN protein. This variant is not present in population databases (ExAC no frequency). This variant has not been reported in the literature in individuals with TTN-related conditions. This variant is located in the A band of TTN (PMID: 25589632). Truncating variants in this region are significantly overrepresented in patients affected with dilated cardiomyopathy (PMID: 25589632). Truncating variants in this region have also been reported in individuals affected with autosomal recessive centronuclear myopathy (PMID: 23975875). In summary, the currently available evidence indicates that the variant is pathogenic, but additional data are needed to prove that conclusively. Therefore, this variant has been classified as Likely Pathogenic.

Literature cited by the submitters: PubMed 25589632 (cited by Labcorp Genetics (formerly Invitae), Labcorp); PubMed 23975875 (cited by Labcorp Genetics (formerly Invitae), Labcorp).